The following is an entry in ClinVar:

NM_020632.3(ATP6V0A4):c.1476G>T (p.Trp492Cys)

Gene: ATP6V0A4 (ATPase H+ transporting V0 subunit a4; minus strand). Cytogenetic location: 7q34.
Variant type: single nucleotide variant.
Coding change: c.1476G>T on transcript NM_020632.3 (MANE Select); coding-DNA position 1476, G replaced by T.
Protein change: p.Trp492Cys; replaces tryptophan 492 with cysteine.
Molecular consequence: missense variant.
Genome position (GRCh38, 1-based): chr7:138,745,125, C>A on the plus strand (G>T on the coding strand, the complement: ATP6V0A4 is on the minus strand). VCF-style: chr7-138745125-C-A. GRCh37 (hg19) VCF-style: chr7-138429870-C-A.
Other names: c.1476G>T, p.Trp492Cys (NM_130840.3, NM_130841.3); short protein forms W492C.
Identifiers: ClinVar variation 4713591 (VCV004713591.1).

ClinVar aggregate classification (germline): Likely pathogenic (1 of 4 stars; one submission).

Submission:

Labcorp Genetics (formerly Invitae), Labcorp
Classification: Likely pathogenic. Last evaluated: 2025-04-28. Review status: criteria provided, single submitter. Criteria: Invitae Variant Classification Sherloc (09022015). Collection method: clinical testing. Allele origin: germline.
Comment: This sequence change replaces tryptophan, which is neutral and slightly polar, with cysteine, which is neutral and slightly polar, at codon 492 of the ATP6V0A4 protein (p.Trp492Cys). This variant is not present in population databases (gnomAD no frequency). This missense change has been observed in individual(s) with renal tubular acidosis (internal data). In at least one individual the data is consistent with being in trans (on the opposite chromosome) from a pathogenic variant. An algorithm developed to predict the effect of missense changes on protein structure and function (PolyPhen-2) suggests that this variant is likely to be disruptive. Algorithms developed to predict the effect of sequence changes on RNA splicing suggest that this variant may disrupt the consensus splice site. In summary, the currently available evidence indicates that the variant is pathogenic, but additional data are needed to prove that conclusively. Therefore, this variant has been classified as Likely Pathogenic.